The following is an entry in ClinVar:

NM_001323289.2(CDKL5):c.119C>T (p.Ala40Val)

Gene: CDKL5 (cyclin dependent kinase like 5; plus strand). Cytogenetic location: Xp22.13.
Variant type: single nucleotide variant.
Coding change: c.119C>T on transcript NM_001323289.2 (MANE Select); coding-DNA position 119, C replaced by T.
Protein change: p.Ala40Val; replaces alanine 40 with valine.
Molecular consequence: missense variant.
Genome position (GRCh38, 1-based): chrX:18,564,496, C>T. VCF-style: chrX-18564496-C-T. GRCh37 (hg19) VCF-style: chrX-18582616-C-T.
Other names: NM_001323289.2(CDKL5):c.119C>T; NP_001310218.1:p.(Ala40Val); c.119C>T, p.Ala40Val (NM_001037343.2, NM_003159.3); short protein forms A40V.
Identifiers: ClinVar variation 11502 (VCV000011502.24), dbSNP rs122460159, ClinGen allele CA121521.

ClinVar aggregate classification (germline): Pathogenic. Review status: reviewed by expert panel (3 of 4 stars). 9 submissions from 8 submitters: Pathogenic (1). 8 of the submissions do not count toward it. Last evaluated 2021-03-30.

Conditions:
Early-infantile developmental and epileptic encephalopathy. Identifiers: MedGen C5781758.
CDKL5 disorder. Identifiers: MedGen CN296942, MONDO:0100039.
Angelman syndrome-like. Identifiers: MedGen CN128785.
Developmental and epileptic encephalopathy, 2 (DEE2). Also called: INFANTILE SPASM SYNDROME, X-LINKED 2; CDKL5 deficiency disorder. Identifiers: Orphanet 1934, Orphanet 3451, Orphanet 505652, MedGen C4750718, MONDO:0010396, OMIM 300672.
Atypical Rett syndrome. Also called: Variant Rett Syndrome; Rett like syndrome. Identifiers: Orphanet 3095, MedGen C2748910, MONDO:0017746.

Submissions (9):

ClinGen Rett and Angelman-like Disorders Variant Curation Expert Panel
Classification: Pathogenic for CDKL5 disorder. Last evaluated: 2021-03-30. Review status: reviewed by expert panel. Criteria: ClinGen RettAS ACMG Specifications V1. Collection method: curation. Allele origin: germline. Inheritance: X-linked inheritance.
Comment: The p.Ala40Val variant in CDKL5 has been reported in at least 4 unconfirmed de novo occurrences in patients with CDKL5 disorder (PMID 27779742, 17993579, 22678952, 19793311) (PM6_VS). The p.Ala40Val variant has been observed in at least 10 other individuals with CDKL5 disorder (27779742, 25819767, 17993579, 22678952, 19793311, 21309761, 19780792) (PS4). The variant is absent in gnomAD (PM2_supporting). The variant is located in a well-characterized (ATP binding region: aa 19-43) functional domain of CDKL5 (PMID: 28544139, 17993579, 23064044, 29264392) (PM1). Computational prediction analysis tools suggests a deleterious impact; however, this information does not predict clinical significance on its own (PP3). In summary, the p.Ala40Val in CDKL5 is classified as Pathogenic based on the ACMG/AMP criteria (PM6_very strong, PS2, PS4_strong, PM1, PM2_supporting, PP3).

Centre for Population Genomics, CPG
Classification: Pathogenic for CDKL5 disorder. Last evaluated: 2024-07-04. Review status: criteria provided, single submitter. Criteria: McKnight et al. (Hum Mutat. 2022). Collection method: curation. Allele origin: germline. Inheritance: X-linked inheritance. Not counted in ClinVar's aggregate classification.
Comment: This variant has been collected from RettBASE and curated to current modified ACMG/AMP criteria. Based on the classification scheme defined by the ClinGen Rett/Angelman-like Expert Panel for Rett/AS-like Disorders Specifications to the ACMG/AMP Variant Interpretation Guidelines VCEP 3.0, this variant is classified as pathogenic. At least the following criteria are met: This variant has been identified as a de novo occurrence in>=4 individuals with CDKL5 disorder syndrome without confirmation of paternity and maternity (PM6_very strong, PMIDs: 27779742, 22678952, 19793311). Occurs in the well-characterized ATP binding region of CDKL5 (PM1). Has been observed in at least 3 individuals with phenotypes consistent with CDKL5 disorder (PS4_Moderate, PMIDs: 25819767, 21309761, 19780792). Computational prediction analysis tools suggests a deleterious impact (REVEL score>= 0.75) (PP3). This variant is absent from gnomAD (PM2_Supporting).

Labcorp Genetics (formerly Invitae), Labcorp
Classification: Pathogenic for Developmental and epileptic encephalopathy, 2; Angelman syndrome-like. Last evaluated: 2023-08-05. Review status: criteria provided, single submitter. Criteria: Invitae Variant Classification Sherloc (09022015). Collection method: clinical testing. Allele origin: germline. Not counted in ClinVar's aggregate classification.
Comment: For these reasons, this variant has been classified as Pathogenic. This variant disrupts the p.Ala40 amino acid residue in CDKL5. Other variant(s) that disrupt this residue have been determined to be pathogenic (PMID: 27848944). This suggests that this residue is clinically significant, and that variants that disrupt this residue are likely to be disease-causing. Experimental studies have shown that this missense change affects CDKL5 function (PMID: 17993579, 19793311). Advanced modeling of protein sequence and biophysical properties (such as structural, functional, and spatial information, amino acid conservation, physicochemical variation, residue mobility, and thermodynamic stability) performed at Invitae indicates that this missense variant is expected to disrupt CDKL5 protein function. ClinVar contains an entry for this variant (Variation ID: 11502). This missense change has been observed in individuals with CDKL5-related disorders (PMID: 17993579, 19780792, 22678952, 25819767). This variant is not present in population databases (gnomAD no frequency). This sequence change replaces alanine, which is neutral and non-polar, with valine, which is neutral and non-polar, at codon 40 of the CDKL5 protein (p.Ala40Val).

GeneDx
Classification: Pathogenic. Last evaluated: 2022-01-17. Review status: criteria provided, single submitter. Criteria: GeneDx Variant Classification Process June 2021. Collection method: clinical testing. Allele origin: germline. Affected: yes. Not counted in ClinVar's aggregate classification.
Comment: Published functional studies demonstrate that A40V results in the mislocalization of the CDKL5 protein (Rosas-Vargas et al., 2008); Not observed in large population cohorts (gnomAD); In silico analysis, which includes protein predictors and evolutionary conservation, supports a deleterious effect; This variant is associated with the following publications: (PMID: 25819767, 17993579, 27848944, 27779742, 19793311, 19780792, 22678952, 22779007, 33047306, 31302675, 30898514)

Unidad de Genómica Garrahan, Hospital de Pediatría Garrahan
Classification: Pathogenic for Early-infantile developmental and epileptic encephalopathy. Last evaluated: 2022-01-01. Review status: criteria provided, single submitter. Criteria: ACMG Guidelines, 2015. Collection method: clinical testing. Allele origin: germline. Affected: yes. Observed: 1 variant allele. Not counted in ClinVar's aggregate classification.
Comment: PS4, PM1, PM6_very strong, PP3. This variant was previously classified as Likely pathogenic by the CDKL5 Expert Panel. NGS depth: 3/18 reads; confirmed by Sanger.

Cytogénomique, Hospices Civils de Lyon
Classification: Pathogenic for Developmental and epileptic encephalopathy, 2. Last evaluated: 2017-06-29. Review status: criteria provided, single submitter. Criteria: ACMG Guidelines, 2015. Collection method: clinical testing. Allele origin: unknown. Inheritance: X-linked inheritance. Affected: yes. Not counted in ClinVar's aggregate classification.

RettBASE
Classification: Pathogenic for Atypical Rett syndrome. Last evaluated: 2014-03-13. Review status: no assertion criteria provided. Collection method: curation. Allele origin: de novo. Affected: yes. Observed: 1 variant allele. Not counted in ClinVar's aggregate classification.
Comment: In vitro study shows mislocalisation of CDKL5 in the cytoplasm

RettBASE
Classification: Pathogenic for Epileptic encephalopathy, early infantile, 2. Last evaluated: 2014-03-13. Review status: no assertion criteria provided. Collection method: curation. Allele origin: de novo, unknown. Affected: yes. Observed: 2 variant alleles. Not counted in ClinVar's aggregate classification.
Comment: the same text as in the submission from RettBASE above.

OMIM
Classification: Pathogenic for DEVELOPMENTAL AND EPILEPTIC ENCEPHALOPATHY 2. Last evaluated: 2009-10-01. Review status: no assertion criteria provided. Collection method: literature only. Allele origin: germline. Not counted in ClinVar's aggregate classification.

Literature cited by the submitters: PubMed 27848944 (cited by Labcorp Genetics (formerly Invitae), Labcorp); PubMed 17993579 (cited by 4 submitters); PubMed 19793311 (cited by Labcorp Genetics (formerly Invitae), Labcorp and OMIM); PubMed 19780792 (cited by Labcorp Genetics (formerly Invitae), Labcorp and RettBASE); PubMed 22678952 (cited by Labcorp Genetics (formerly Invitae), Labcorp); PubMed 25819767 (cited by Labcorp Genetics (formerly Invitae), Labcorp).